The following is an entry in ClinVar:

NM_198428.3(BBS9):c.1992A>C (p.Glu664Asp)

Gene: BBS9 (Bardet-Biedl syndrome 9; plus strand). Cytogenetic location: 7p14.3.
Variant type: single nucleotide variant.
Coding change: c.1992A>C on transcript NM_198428.3 (MANE Select); coding-DNA position 1992, A replaced by C.
Protein change: p.Glu664Asp; replaces glutamic acid 664 with aspartic acid.
Molecular consequence: missense variant. On other transcripts: non-coding transcript variant (3).
Genome position (GRCh38, 1-based): chr7:33,388,021, A>C. VCF-style: chr7-33388021-A-C. GRCh37 (hg19) VCF-style: chr7-33427633-A-C.
Other names: c.1887A>C, p.Glu629Asp (NM_001033604.2); c.1977A>C, p.Glu659Asp (NM_001033605.2); c.1992A>C, p.Glu664Asp (NM_001348036.1, NM_001348041.4, NM_001348043.3 and 1 more transcripts); c.1626A>C, p.Glu542Asp (NM_001348037.3, NM_001348045.3, NM_001348046.3); c.1719A>C, p.Glu573Asp (NM_001348038.3); c.1614A>C, p.Glu538Asp (NM_001348039.3); c.1872A>C, p.Glu624Asp (NM_001348040.3, NM_014451.4); c.1857A>C, p.Glu619Asp (NM_001348042.3); and 1 more; short protein forms E573D, E659D, E538D, E629D, E664D, E507D, E542D, E619D.
Identifiers: ClinVar variation 1467619 (VCV001467619.8), dbSNP rs2128756476, ClinGen allele CA367253740.

ClinVar aggregate classification (germline): Uncertain significance (1 of 4 stars; one submission).

Conditions:
Bardet-Biedl syndrome (BBS). Identifiers: Orphanet 110, MedGen C0752166, MONDO:0015229.

Submission:

Labcorp Genetics (formerly Invitae), Labcorp
Classification: Uncertain significance for Bardet-Biedl syndrome. Last evaluated: 2022-06-27. Review status: criteria provided, single submitter. Criteria: Invitae Variant Classification Sherloc (09022015). Collection method: clinical testing. Allele origin: germline.
Comment: This sequence change replaces glutamic acid, which is acidic and polar, with aspartic acid, which is acidic and polar, at codon 664 of the BBS9 protein (p.Glu664Asp). This variant is not present in population databases (gnomAD no frequency). This variant has not been reported in the literature in individuals affected with BBS9-related conditions. Algorithms developed to predict the effect of missense changes on protein structure and function are either unavailable or do not agree on the potential impact of this missense change (SIFT: "Deleterious"; PolyPhen-2: "Benign"; Align-GVGD: "Class C0"). In summary, the available evidence is currently insufficient to determine the role of this variant in disease. Therefore, it has been classified as a Variant of Uncertain Significance.